The following is an entry in ClinVar:

ClinVar aggregate classification (germline): Pathogenic (1 of 4 stars; one submission).

gnomAD v4.1: 1 of 1,612,816 alleles (0.000062%); highest among the groups gnomAD compares: South Asian, 0.0011%; no homozygotes.

Submission:

Labcorp Genetics (formerly Invitae), Labcorp
Classification: Pathogenic. Last evaluated: 2024-03-29. Review status: criteria provided, single submitter. Criteria: Invitae Variant Classification Sherloc (09022015). Collection method: clinical testing. Allele origin: germline.
Comment: This sequence change replaces cysteine, which is neutral and slightly polar, with tyrosine, which is neutral and polar, at codon 251 of the HOGA1 protein (p.Cys251Tyr). This variant is not present in population databases (gnomAD no frequency). This missense change has been observed in individual(s) with clinical features of hyperoxaluria (Invitae). Advanced modeling of protein sequence and biophysical properties (such as structural, functional, and spatial information, amino acid conservation, physicochemical variation, residue mobility, and thermodynamic stability) performed at Invitae indicates that this missense variant is expected to disrupt HOGA1 protein function with a positive predictive value of 95%. For these reasons, this variant has been classified as Pathogenic.

NM_138413.4(HOGA1):c.752G>A (p.Cys251Tyr)

Gene: HOGA1 (4-hydroxy-2-oxoglutarate aldolase 1; plus strand). Cytogenetic location: 10q24.2.
Variant type: single nucleotide variant.
Coding change: c.752G>A on transcript NM_138413.4 (MANE Select); coding-DNA position 752, G replaced by A.
Protein change: p.Cys251Tyr; replaces cysteine 251 with tyrosine.
Molecular consequence: missense variant.
Genome position (GRCh38, 1-based): chr10:97,601,908, G>A. VCF-style: chr10-97601908-G-A. GRCh37 (hg19) VCF-style: chr10-99361665-G-A.
Other names: c.263G>A, p.Cys88Tyr (NM_001134670.2); short protein forms C88Y, C251Y.
Identifiers: ClinVar variation 3695771 (VCV003695771.2).